The following is an entry in ClinVar:

NM_001083619.3(GRIA2):c.1706C>A (p.Pro569His)

Gene: GRIA2 (glutamate ionotropic receptor AMPA type subunit 2; plus strand). Cytogenetic location: 4q32.1.
Variant type: single nucleotide variant.
Coding change: c.1706C>A on transcript NM_001083619.3 (MANE Select); coding-DNA position 1706, C replaced by A.
Protein change: p.Pro569His; replaces proline 569 with histidine.
Molecular consequence: missense variant.
Genome position (GRCh38, 1-based): chr4:157,336,609, C>A. VCF-style: chr4-157336609-C-A. GRCh37 (hg19) VCF-style: chr4-158257761-C-A.
Other names: c.1706C>A, p.Pro569His (NM_000826.6); c.1565C>A, p.Pro522His (NM_001083620.3, NM_001379000.3, NM_001379001.3); short protein forms P522H, P569H.
Identifiers: ClinVar variation 4855302 (VCV004855302.1).

ClinVar aggregate classification (germline): Uncertain significance (1 of 4 stars; one submission).

Conditions:
Neurodevelopmental disorder with language impairment and behavioral abnormalities. Also called: GRIA2-related neurodevelopmental disorder. Identifiers: MedGen C5394502, MONDO:0030060, OMIM 618917.

Submission:

3billion
Classification: Uncertain significance for Neurodevelopmental disorder with language impairment and behavioral abnormalities. Last evaluated: 2026-01-21. Review status: criteria provided, single submitter. Criteria: ACMG Guidelines, 2015. Collection method: clinical testing. Allele origin: germline. Affected: yes.
Comment: The variant is not observed in the gnomAD v4.1.0 dataset. Predicted Consequence/Location: Missense variant. Missense changes are a common disease-causing mechanism. In silico tool predictions suggest damaging effect of the variant on gene or gene product [REVEL: 0.63 (>=0.6, sensitivity 0.68 and specificity 0.92); 3Cnet: 0.99 (> 0.75, sensitivity 0.96 and precision 0.92)]. Therefore, this variant is classified as VUS according to the recommendation of ACMG/AMP guideline.